The following is an entry in ClinVar:

ClinVar aggregate classification (germline): Uncertain significance (1 of 4 stars; one submission).

Submission:

GeneDx
Classification: Uncertain significance. Last evaluated: 2026-02-05. Review status: criteria provided, single submitter. Criteria: GeneDx Variant Classification Process June 2021. Collection method: clinical testing. Allele origin: germline.
Comment: Not observed at significant frequency in large population cohorts (gnomAD); In silico analysis supports a deleterious effect on splicing; In silico analysis suggests that this missense variant does not alter protein structure/function; Has not been previously published as pathogenic or benign to our knowledge

NM_001710.6(CFB):c.1903G>A (p.Glu635Lys)

Gene: CFB (complement factor B; plus strand). Cytogenetic location: 6p21.33.
Variant type: single nucleotide variant.
Coding change: c.1903G>A on transcript NM_001710.6 (MANE Select); coding-DNA position 1903, G replaced by A.
Protein change: p.Glu635Lys; replaces glutamic acid 635 with lysine.
Molecular consequence: missense variant.
Genome position (GRCh38, 1-based): chr6:31,951,191, G>A. VCF-style: chr6-31951191-G-A. GRCh37 (hg19) VCF-style: chr6-31918968-G-A.
Other names: short protein forms E635K.
Identifiers: ClinVar variation 2504805 (VCV002504805.2), dbSNP rs2482712509, ClinGen allele CA363410933.
Genomic context (GRCh38, chr6:31,951,191, plus strand): 5'-TCTATTCGTCCAGAGGAAGAGCTGCTCCCTGCACAGGATATCAAAGCTCTGTTTGTGTCT[G>A]AGGAGGAGAAAAAGCTGACTCGGAAGGAGGTCTACATCAAGAATGGGGATAAGGTGAGAA-3'
Protein context (NP_001701.2, residues 625-645): AQDIKALFVS[Glu635Lys]EEKKLTRKEV